The following is an entry in ClinVar:

NM_000744.7(CHRNA4):c.384-153A>C

Gene: CHRNA4 (cholinergic receptor nicotinic alpha 4 subunit; minus strand). Cytogenetic location: 20q13.33.
Variant type: single nucleotide variant.
Coding change: c.384-153A>C on transcript NM_000744.7 (MANE Select); 153 bases into the intron before coding-DNA position 384, A replaced by C.
Molecular consequence: intron variant.
Genome position (GRCh38, 1-based): chr20:63,351,180, T>G on the plus strand (A>C on the coding strand, the complement: CHRNA4 is on the minus strand). VCF-style: chr20-63351180-T-G. GRCh37 (hg19) VCF-style: chr20-61982532-T-G.
Other names: c.-145-153A>C (NM_001256573.2).
Identifiers: ClinVar variation 682893 (VCV000682893.1), dbSNP rs370897210, ClinGen allele CA317436783.

ClinVar aggregate classification (germline): Benign (1 of 4 stars; one submission).

Submission:

GeneDx
Classification: Benign. Last evaluated: 2018-06-14. Review status: criteria provided, single submitter. Criteria: GeneDx Variant Classification (06012015). Collection method: clinical testing. Allele origin: germline. Affected: yes.
Comment: This variant is considered likely benign or benign based on one or more of the following criteria: it is a conservative change, it occurs at a poorly conserved position in the protein, it is predicted to be benign by multiple in silico algorithms, and/or has population frequency not consistent with disease.